The following is an entry in ClinVar:

NM_001042492.3(NF1):c.482T>G (p.Leu161Ter)

Gene: NF1 (neurofibromin 1; plus strand). Cytogenetic location: 17q11.2.
Variant type: single nucleotide variant.
Coding change: c.482T>G on transcript NM_001042492.3 (MANE Select); coding-DNA position 482, T replaced by G.
Protein change: p.Leu161Ter; replaces leucine 161 with a stop codon.
Molecular consequence: nonsense.
Genome position (GRCh38, 1-based): chr17:31,169,893, T>G. VCF-style: chr17-31169893-T-G. GRCh37 (hg19) VCF-style: chr17-29496911-T-G.
Other names: c.482T>G, p.Leu161Ter (NM_000267.4, NM_001128147.3); short protein forms L161*.
Identifiers: ClinVar variation 3363306 (VCV003363306.2).

ClinVar aggregate classification (germline): Pathogenic. Review status: criteria provided, multiple submitters, no conflicts (2 of 4 stars). 2 submissions from 2 submitters: Pathogenic (2). Last evaluated 2024-08-09.

Conditions:
Cardiovascular phenotype. Identifiers: MedGen CN230736.
Hereditary cancer-predisposing syndrome. Also called: Tumor predisposition; Neoplastic Syndromes, Hereditary; Hereditary neoplastic syndrome; Hereditary Cancer Syndrome. Identifiers: Orphanet 140162, MedGen C0027672, MeSH D009386, MONDO:0015356.

Submissions (2):

Ambry Genetics
Classification: Pathogenic for Cardiovascular phenotype; Hereditary cancer-predisposing syndrome. Last evaluated: 2024-08-09. Review status: criteria provided, single submitter. Criteria: Ambry Variant Classification Scheme 2023. Collection method: clinical testing. Allele origin: germline.
Comment: The p.L161* variant (also known as c.482T>G), located in coding exon 5 of the NF1 gene, results from a T to G substitution at nucleotide position 482. This changes the amino acid from a leucine to a stop codon within coding exon 5. This variant has been observed in at least one individual with a personal and/or family history that is consistent with Neurofibromatosis type I (Ambry internal data). This variant is considered to be rare based on population cohorts in the Genome Aggregation Database (gnomAD). This alteration is expected to result in loss of function by premature protein truncation or nonsense-mediated mRNA decay. As such, this alteration is interpreted as a disease-causing mutation.

GeneDx
Classification: Pathogenic. Last evaluated: 2024-04-15. Review status: criteria provided, single submitter. Criteria: GeneDx Variant Classification Process June 2021. Collection method: clinical testing. Allele origin: germline. Affected: yes.
Comment: Co-observed in with another truncating NF1 variant in an individual with juvenile myelomonocytic leukemia (JMML) and cafe-au-lait macules, but it is not clear whether this variant was germline or somatic (PMID: 20015894, 37945316); Nonsense variant predicted to result in protein truncation or nonsense mediated decay in a gene for which loss of function is a known mechanism of disease; Not observed at significant frequency in large population cohorts (gnomAD); This variant is associated with the following publications: (PMID: 22155606, 24576830, 20015894, 37945316)